The following is an entry in ClinVar:

NM_001135146.2(SLC39A8):c.1131T>A (p.Tyr377Ter)

Genes: SLC39A8 (solute carrier family 39 member 8; minus strand), LOC126807125 (MED14-independent group 3 enhancer GRCh37_chr4:103188587-103189786; plus strand). Cytogenetic location: 4q24.
Variant type: single nucleotide variant.
Coding change: c.1131T>A on transcript NM_001135146.2 (MANE Select); coding-DNA position 1131, T replaced by A.
Protein change: p.Tyr377Ter; replaces tyrosine 377 with a stop codon.
Molecular consequence: nonsense.
Genome position (GRCh38, 1-based): chr4:102,267,592, A>T on the plus strand (T>A on the coding strand, the complement: SLC39A8 is on the minus strand). VCF-style: chr4-102267592-A-T. GRCh37 (hg19) VCF-style: chr4-103188749-A-T.
Other names: c.1131T>A, p.Tyr377Ter (NM_001135147.1, NM_022154.5); c.930T>A, p.Tyr310Ter (NM_001135148.2); short protein forms Y310*, Y377*.
Identifiers: ClinVar variation 3907940 (VCV003907940.1).

ClinVar aggregate classification (germline): Uncertain significance (1 of 4 stars; one submission).

Submission:

GeneDx
Classification: Uncertain significance. Last evaluated: 2024-12-30. Review status: criteria provided, single submitter. Criteria: GeneDx Variant Classification Process June 2021. Collection method: clinical testing. Allele origin: germline. Affected: yes.
Comment: Not observed at significant frequency in large population cohorts (gnomAD); Nonsense variant predicted to result in protein truncation or nonsense mediated decay in a gene or region of a gene for which loss of function is not a well-established mechanism of disease; Has not been previously published as pathogenic or benign to our knowledge